The following is an entry in ClinVar:

NM_001040458.3(ERAP1):c.524+40G>A

Gene: ERAP1 (endoplasmic reticulum aminopeptidase 1; minus strand). Cytogenetic location: 5q15.
Variant type: single nucleotide variant.
Coding change: c.524+40G>A on transcript NM_001040458.3 (MANE Select); 40 bases into the intron after coding-DNA position 524, G replaced by A.
Molecular consequence: intron variant.
Genome position (GRCh38, 1-based): chr5:96,803,363, C>T on the plus strand (G>A on the coding strand, the complement: ERAP1 is on the minus strand). VCF-style: chr5-96803363-C-T. GRCh37 (hg19) VCF-style: chr5-96139066-C-T.
Other names: c.524+40G>A (NM_001349244.2, NM_016442.5, NM_001198541.3).
Identifiers: ClinVar variation 2688497 (VCV002688497.2), dbSNP rs10062964, ClinGen allele CA3352532.
Genomic context (GRCh38, chr5:96,803,363, plus strand): 5'-GTTCAACAGCAAAGGGAATTTTAAAAGACAATCAATCTGAAATAATGAATTTAGCGTGGG[C>T]AGCACTTGCAGTTTAAAAGAAAAAGAGAAAAAAAAATACCTCAGTTCCCCTTCCTTGGTT-3'

ClinVar aggregate classification (germline): Benign (1 of 4 stars; one submission).

Allele frequency attached by ClinVar (database versions not stated): 1000 Genomes Project 30x 0.10509; 1000 Genomes Project 0.10583; ExAC 0.15589; TOPMed 0.15624; gnomAD 0.16392; ESP Exome Variant Server 0.17538; gnomAD exomes 0.19765.
gnomAD v4.1: 301,543 of 1,558,022 alleles (19%); highest among the groups gnomAD compares: Non-Finnish European, 22%; 31,912 homozygotes.

Submission:

Unidad de Genómica Garrahan, Hospital de Pediatría Garrahan
Classification: Benign. Last evaluated: 2024-01-24. Review status: criteria provided, single submitter. Criteria: ACMG Guidelines, 2015. Collection method: clinical testing. Allele origin: germline. Affected: no. Observed: 20 variant alleles.
Comment: This variant is classified as Benign based on local population frequency. This variant was detected in 23% of patients studied by a panel of primary immunodeficiencies. Number of patients: 20. Only high quality variants are reported.